The following is an entry in ClinVar:

NM_153460.4(IL17RC):c.1180G>A (p.Asp394Asn)

Gene: IL17RC (interleukin 17 receptor C; plus strand). Cytogenetic location: 3p25.3.
Variant type: single nucleotide variant.
Coding change: c.1180G>A on transcript NM_153460.4 (MANE Select); coding-DNA position 1180, G replaced by A.
Protein change: p.Asp394Asn; replaces aspartic acid 394 with asparagine.
Molecular consequence: missense variant. On other transcripts: non-coding transcript variant (1).
Genome position (GRCh38, 1-based): chr3:9,930,051, G>A. VCF-style: chr3-9930051-G-A. GRCh37 (hg19) VCF-style: chr3-9971735-G-A.
Other names: c.1180G>A, p.Asp394Asn (NM_001203263.2); c.1129G>A, p.Asp377Asn (NM_001203264.2); c.1084G>A, p.Asp362Asn (NM_001203265.2); c.1141G>A, p.Asp381Asn (NM_001367278.1); c.1060G>A, p.Asp354Asn (NM_001367279.1); c.1135G>A, p.Asp379Asn (NM_001367280.1, NM_032732.6); c.1393G>A, p.Asp465Asn (NM_153461.4); short protein forms D377N, D379N, D381N, D354N, D465N, D362N, D394N.
Identifiers: ClinVar variation 1416178 (VCV001416178.6), dbSNP rs764451235, ClinGen allele CA2247190.

ClinVar aggregate classification (germline): Uncertain significance (1 of 4 stars; one submission).

Conditions:
Candidiasis, familial, 9 (CANDF9). Identifiers: Orphanet 1334, MedGen C4225324, MONDO:0014642, OMIM 616445.

Allele frequency attached by ClinVar (database versions not stated): ExAC 0.00001; gnomAD 0.00001; gnomAD exomes 0.00001; TOPMed 0.00001.
gnomAD v4.1: 21 of 1,613,956 alleles (0.0013%); highest among the groups gnomAD compares: Admixed American, 0.0017%; no homozygotes.

Submission:

Labcorp Genetics (formerly Invitae), Labcorp
Classification: Uncertain significance for Candidiasis, familial, 9. Last evaluated: 2024-06-27. Review status: criteria provided, single submitter. Criteria: Invitae Variant Classification Sherloc (09022015). Collection method: clinical testing. Allele origin: germline.
Comment: This sequence change replaces aspartic acid, which is acidic and polar, with asparagine, which is neutral and polar, at codon 465 of the IL17RC protein (p.Asp465Asn). This variant is present in population databases (rs764451235, gnomAD 0.003%). This variant has not been reported in the literature in individuals affected with IL17RC-related conditions. ClinVar contains an entry for this variant (Variation ID: 1416178). An algorithm developed to predict the effect of missense changes on protein structure and function (PolyPhen-2) suggests that this variant is likely to be disruptive. Algorithms developed to predict the effect of sequence changes on RNA splicing suggest that this variant may disrupt the consensus splice site. In summary, the available evidence is currently insufficient to determine the role of this variant in disease. Therefore, it has been classified as a Variant of Uncertain Significance.